The following is an entry in ClinVar:

ClinVar aggregate classification (germline): not provided (0 of 4 stars; one submission).

Conditions:
Large for gestational age. Identifiers: MedGen C1848395, HP:0001520.

Submission:

Institute of Molecular and Cell Biology, University of Tartu
No classification provided. Condition: Large for gestational age. Review status: no classification provided. Collection method: case-control. Allele origin: unknown. Affected: yes. Study: Kasak2014.
Comment: The study aimed to determine the contribution of copy number variants in the genetic etiology of normal and complicated pregnancies. The samples represented (i) maternal blood DNA drawn from healthy pregnant women during 1st or 2nd trimester and (ii) maternal and paternal blood DNA drawn at term pregnancy cases representing normal and complicated gestations (severe preeclampsia, PE; gestational diabetes, GD; small-for-gestational age newborn, SGA; large-for-gestational age newborn, LGA). We performed CNV calling based on genome-wide genotyping dataset (Illumina HumanOmniExpress-24-v1 BeadChip) by applying three algorithms, QuantiSNP, GADA (Genome Alteration Detection Algorithm) and CNstream in parallel. The acquired CNV calls were merged with HD-CNV (Hotspot Detector for Copy Number Variants) program and only the CNVs predicted by at least two programs, were considered in subsequent analysis.

Literature cited by the submitters: PubMed 25666259.

Single allele

Variant type: Duplication.
Identifiers: ClinVar variation 157348 (VCV000157348.2).